The following is an entry in ClinVar:

ClinVar aggregate classification (germline): Conflicting classifications of pathogenicity. Review status: criteria provided, conflicting classifications (1 of 4 stars). 13 submissions from 13 submitters: Uncertain significance (2); Benign (6); Likely benign (2). 3 of the submissions do not count toward it. Last evaluated 2026-09-01.

Conditions:
APOE-related disorder. Also called: APOE-related condition.
Cardiovascular phenotype. Identifiers: MedGen CN230736.
Familial hypercholesterolemia. Also called: Familial hypercholesterolaemia; Familial hypercholesterolemias. Identifiers: MedGen C0020445, MONDO:0005439.
Alzheimer disease 2 (AD2). Also called: ALZHEIMER DISEASE 2, LATE-ONSET; ALZHEIMER DISEASE ASSOCIATED WITH APOE4. Identifiers: Orphanet 1020, MedGen C1863051, MONDO:0007089, OMIM 104310.
Familial type 3 hyperlipoproteinemia. Also called: Apolipoprotein e, deficiency or defect of; Dysbetalipoproteinemia due to defect in apolipoprotein e-d; Familial hyperbeta- and prebetalipoproteinemia; Familial hypercholesterolemia with hyperlipemia; Floating-betalipoproteinemia; Hyperlipemia with familial hypercholesterolemic xanthomatosis. Identifiers: Orphanet 412, MedGen C0020479, MONDO:0018473, OMIM 617347.

Allele frequency attached by ClinVar (database versions not stated): gnomAD exomes 0.00063 and 0.00142; ExAC 0.00264; gnomAD 0.00643 and 0.00701; 1000 Genomes Project 30x 0.00718; 1000 Genomes Project 0.00739; TOPMed 0.00785.

Submissions (13):

CeGaT Center for Human Genetics Tuebingen
Classification: Likely benign. Last evaluated: 2026-09-01. Review status: criteria provided, single submitter. Criteria: CeGaT Center For Human Genetics Tuebingen Variant Classification Criteria Version 2. Collection method: clinical testing. Allele origin: germline. Affected: yes. Observed: 2 variant alleles.
Comment: APOE: PM5, BS2

Cambridge Genomics Laboratory, East Genomic Laboratory Hub, NHS Genomic Medicine Service
Classification: Likely benign for Familial hypercholesterolaemia. Last evaluated: 2025-08-19. Review status: criteria provided, single submitter. Criteria: ACGS Best Practice Guidelines for Variant Classification in Rare Disease 2020. Collection method: clinical testing. Allele origin: germline. Affected: yes.
Comment: BS1_Strong,BP5

Mayo Clinic Laboratories, Mayo Clinic
Classification: Uncertain significance. Last evaluated: 2023-10-17. Review status: criteria provided, single submitter. Criteria: ACMG Guidelines, 2015. Collection method: clinical testing. Allele origin: germline. Observed: 2 variant alleles.
Comment: BS1, BS2, PS3

Department of Pathology and Laboratory Medicine, Sinai Health System
Classification: Benign for Alzheimer disease 2. Last evaluated: 2023-04-03. Review status: criteria provided, single submitter. Criteria: ACMG Guidelines, 2015. Collection method: research. Allele origin: germline.

Genetic Services Laboratory, University of Chicago
Classification: Benign. Last evaluated: 2021-02-15. Review status: criteria provided, single submitter. Criteria: ACMG Guidelines, 2015. Collection method: clinical testing. Allele origin: germline. Affected: no.

AiLife Diagnostics
Classification: Uncertain significance. Last evaluated: 2020-11-14. Review status: criteria provided, single submitter. Criteria: ACMG Guidelines, 2015. Collection method: clinical testing. Allele origin: germline. Affected: yes. Observed: 1 variant allele.

H3Africa Consortium
Classification: Benign. Last evaluated: 2020-10-28. Review status: criteria provided, single submitter. Criteria: Choudhury A et al. (Nature 2020). Collection method: research. Allele origin: germline. Study: H3Africa.
Comment: While the frequency of the alternate allele in gnoMAD v2.0.2 is 0.069, its frequency in African populations is >5%. This suggests that previous classifications of this variant as pathogenic are in error.

Labcorp Genetics (formerly Invitae), Labcorp
Classification: Benign. Last evaluated: 2019-12-31. Review status: criteria provided, single submitter. Criteria: Invitae Variant Classification Sherloc (09022015). Collection method: clinical testing. Allele origin: germline.

Ambry Genetics
Classification: Benign for Cardiovascular phenotype. Last evaluated: 2019-09-06. Review status: criteria provided, single submitter. Criteria: Ambry Variant Classification Scheme 2023. Collection method: clinical testing. Allele origin: germline.

GeneDx
Classification: Benign. Last evaluated: 2019-07-19. Review status: criteria provided, single submitter. Criteria: GeneDx Variant Classification Process June 2021. Collection method: clinical testing. Allele origin: germline. Affected: yes.
Comment: This variant is associated with the following publications: (PMID: 24239320, 26377243, 3243553, 22069485, 20981092, 11500500, 24507774)

PreventionGenetics, part of Exact Sciences
Classification: Likely benign for APOE-related condition. Last evaluated: 2023-08-05. Review status: no assertion criteria provided. Collection method: clinical testing. Allele origin: germline. Not counted in ClinVar's aggregate classification.
Comment: This variant is classified as likely benign based on ACMG/AMP sequence variant interpretation guidelines (Richards et al. 2015 PMID: 25741868, with internal and published modifications).

Reproductive Health Research and Development, BGI Genomics
Classification: Likely pathogenic for Familial type 3 hyperlipoproteinemia. Last evaluated: 2020-01-06. Review status: no assertion criteria provided. Collection method: curation. Allele origin: germline. Not counted in ClinVar's aggregate classification.
Comment: NM_000041.2:c.487C>T in the APOE gene has an allele frequency of 0.021 in African subpopulation in the gnomAD database. The p.Arg163Cys (NM_000041.2:c.487C>T) variant has been reported to be associated with type III hyperlipoproteinemia (PMID: 25502880; 26802169). In vitro functional studies suggest that the p.Arg163Cys variant may affect protein function (PMID: 26802169). Pathogenic computational verdict because pathogenic predictions from DANN, DEOGEN2, EIGEN, FATHMM-MKL, MVP, MutationAssessor, MutationTaster, REVEL and SIFT. Taken together, we interprete this variant as Pathogenic/Likely pathogenic. ACMG/AMP Criteria applied: PS3; PP4; PP3.

OMIM
Classification: Pathogenic for HYPERLIPOPROTEINEMIA, TYPE III, ASSOCIATED WITH APOE2. Last evaluated: 1988-11-01. Review status: no assertion criteria provided. Collection method: literature only. Allele origin: germline. Not counted in ClinVar's aggregate classification.

Literature cited by the submitters: PubMed 11500500 (cited by 3 submitters); PubMed 24239320 (cited by 3 submitters); PubMed 24507774 (cited by 3 submitters); PubMed 26377243 (cited by 3 submitters); PubMed 26802169 (cited by Mayo Clinic Laboratories, Mayo Clinic and Ambry Genetics); PubMed 29507422 (cited by Mayo Clinic Laboratories, Mayo Clinic); PubMed 31217584 (cited by Mayo Clinic Laboratories, Mayo Clinic); PubMed 32226016 (cited by Mayo Clinic Laboratories, Mayo Clinic); PubMed 3243553 (cited by 4 submitters); PubMed 35628605 (cited by Mayo Clinic Laboratories, Mayo Clinic); PubMed 36220816 (cited by Mayo Clinic Laboratories, Mayo Clinic); PubMed 36325899 (cited by Mayo Clinic Laboratories, Mayo Clinic); PubMed 37051929 (cited by Mayo Clinic Laboratories, Mayo Clinic); PubMed 37128917 (cited by Mayo Clinic Laboratories, Mayo Clinic); PubMed 6289314 (cited by Mayo Clinic Laboratories, Mayo Clinic); PubMed 9157949 (cited by Mayo Clinic Laboratories, Mayo Clinic and Ambry Genetics); PubMed 20981092 (cited by AiLife Diagnostics and Ambry Genetics); PubMed 22069485 (cited by AiLife Diagnostics and Ambry Genetics); PubMed 16690468 (cited by Ambry Genetics); PubMed 25502880 (cited by Ambry Genetics); PubMed 3745433 (cited by Ambry Genetics); PubMed 7735921 (cited by Ambry Genetics); PubMed 6300187 (cited by OMIM).

NM_000041.4(APOE):c.487C>T (p.Arg163Cys)

Gene: APOE (apolipoprotein E; plus strand). Cytogenetic location: 19q13.32.
Variant type: single nucleotide variant.
Coding change: c.487C>T on transcript NM_000041.4 (MANE Select); coding-DNA position 487, C replaced by T.
Protein change: p.Arg163Cys; replaces arginine 163 with cysteine.
Molecular consequence: missense variant.
Genome position (GRCh38, 1-based): chr19:44,908,783, C>T. VCF-style: chr19-44908783-C-T. GRCh37 (hg19) VCF-style: chr19-45412040-C-T.
Other names: R145C; c.565C>T, p.Arg189Cys (NM_001302688.2); c.487C>T, p.Arg163Cys (NM_001302689.2, NM_001302690.2, NM_001302691.2); short protein forms R163C, R189C.
Identifiers: ClinVar variation 17851 (VCV000017851.25), dbSNP rs769455, ClinGen allele CA127502.